The following is an entry in ClinVar:

NM_004333.6(BRAF):c.504+3G>C

Gene: BRAF (B-Raf proto-oncogene, serine/threonine kinase; minus strand). Cytogenetic location: 7q34.
Variant type: single nucleotide variant.
Coding change: c.504+3G>C on transcript NM_004333.6 (MANE Select); 3 bases into the intron after coding-DNA position 504, G replaced by C.
Molecular consequence: intron variant.
Genome position (GRCh38, 1-based): chr7:140,834,606, C>G on the plus strand (G>C on the coding strand, the complement: BRAF is on the minus strand). VCF-style: chr7-140834606-C-G. GRCh37 (hg19) VCF-style: chr7-140534406-C-G.
Other names: c.504+3G>C (NM_001378474.1, NM_001378471.1, NM_001378468.1 and 5 more transcripts); c.402+3G>C (NM_001378470.1); c.240+15505G>C (NM_001378475.1); c.348+3G>C (NM_001378472.1, NM_001378473.1).
Identifiers: ClinVar variation 3728852 (VCV003728852.2).

ClinVar aggregate classification (germline): Uncertain significance (1 of 4 stars; one submission).

Conditions:
RASopathy. Also called: rasopathies; Noonan spectrum disorder. Identifiers: Orphanet 536391, MedGen C5555857, MONDO:0021060.

Submission:

Labcorp Genetics (formerly Invitae), Labcorp
Classification: Uncertain significance for RASopathy. Last evaluated: 2025-01-12. Review status: criteria provided, single submitter. Criteria: Invitae Variant Classification Sherloc (09022015). Collection method: clinical testing. Allele origin: germline.
Comment: This sequence change falls in intron 3 of the BRAF gene. It does not directly change the encoded amino acid sequence of the BRAF protein. It affects a nucleotide within the consensus splice site. This variant is not present in population databases (gnomAD no frequency). This variant has not been reported in the literature in individuals affected with BRAF-related conditions. Variants that disrupt the consensus splice site are a relatively common cause of aberrant splicing (PMID: 17576681, 9536098). Algorithms developed to predict the effect of sequence changes on RNA splicing suggest that this variant may disrupt the consensus splice site. In summary, the available evidence is currently insufficient to determine the role of this variant in disease. Therefore, it has been classified as a Variant of Uncertain Significance.

Literature cited by the submitters: PubMed 17576681; PubMed 9536098.